The following is an entry in ClinVar:

NM_001110556.2(FLNA):c.2280+5G>A

Gene: FLNA (filamin A; minus strand). Cytogenetic location: Xq28.
Variant type: single nucleotide variant.
Coding change: c.2280+5G>A on transcript NM_001110556.2 (MANE Select); 5 bases into the intron after coding-DNA position 2280, G replaced by A.
Molecular consequence: intron variant.
Genome position (GRCh38, 1-based): chrX:154,364,017, C>T on the plus strand (G>A on the coding strand, the complement: FLNA is on the minus strand). VCF-style: chrX-154364017-C-T. GRCh37 (hg19) VCF-style: chrX-153592385-C-T.
Other names: c.2280+5G>A (NM_001456.4).
Identifiers: ClinVar variation 1788927 (VCV001788927.3), dbSNP rs1023429263, ClinGen allele CA337282264.

ClinVar aggregate classification (germline): Uncertain significance (1 of 4 stars; one submission).

Conditions:
Familial thoracic aortic aneurysm and aortic dissection (TAAD). Also called: Thoracic aortic aneurysms and dissections. Identifiers: Orphanet 91387, MedGen C4707243, MONDO:0019625.

Submission:

Ambry Genetics
Classification: Uncertain significance for Familial thoracic aortic aneurysm and aortic dissection. Last evaluated: 2026-08-20. Review status: criteria provided, single submitter. Criteria: Ambry Variant Classification Scheme 2023. Collection method: clinical testing. Allele origin: germline.
Comment: The c.2280+5G>A intronic variant results from a G to A substitution 5 nucleotides after coding exon 14 in the FLNA gene. This nucleotide position is highly conserved in available vertebrate species. In silico splice site analysis predicts that this alteration may weaken the native splice donor site. Based on the available evidence, the clinical significance of this variant remains unclear.